The following is an entry in ClinVar:

ClinVar aggregate classification (germline): Uncertain significance. Review status: criteria provided, multiple submitters, no conflicts (2 of 4 stars). 2 submissions from 2 submitters: Uncertain significance (2). Last evaluated 2026-06-01.

Conditions:
Congenital brain dysgenesis due to glutamine synthetase deficiency (GLND). Also called: GLUTAMINE SYNTHASE DEFICIENCY, CONGENITAL SYSTEMIC. Identifiers: Orphanet 71278, MedGen C1864910, MONDO:0012393, OMIM 610015.

Allele frequency attached by ClinVar (database versions not stated): gnomAD exomes below 0.00001; TOPMed below 0.00001; ExAC 0.00002.

Submissions (2):

CeGaT Center for Human Genetics Tuebingen
Classification: Uncertain significance. Last evaluated: 2026-06-01. Review status: criteria provided, single submitter. Criteria: CeGaT Center For Human Genetics Tuebingen Variant Classification Criteria Version 2. Collection method: clinical testing. Allele origin: germline. Affected: yes. Observed: 1 variant allele.
Comment: GLUL: PP2

Labcorp Genetics (formerly Invitae), Labcorp
Classification: Uncertain significance for Congenital brain dysgenesis due to glutamine synthetase deficiency. Last evaluated: 2026-01-26. Review status: criteria provided, single submitter. Criteria: Invitae Variant Classification Sherloc (09022015). Collection method: clinical testing. Allele origin: germline.
Comment: This sequence change replaces proline, which is neutral and non-polar, with serine, which is neutral and polar, at codon 368 of the GLUL protein (p.Pro368Ser). This variant is present in population databases (rs749965172, gnomAD 0.009%). This variant has not been reported in the literature in individuals affected with GLUL-related conditions. ClinVar contains an entry for this variant (Variation ID: 1899360). An algorithm developed to predict the effect of missense changes on protein structure and function (PolyPhen-2) suggests that this variant is likely to be tolerated. In summary, the available evidence is currently insufficient to determine the role of this variant in disease. Therefore, it has been classified as a Variant of Uncertain Significance.

NM_001033044.4(GLUL):c.1102C>T (p.Pro368Ser)

Gene: GLUL (glutamate-ammonia ligase; minus strand). Cytogenetic location: 1q25.3.
Variant type: single nucleotide variant.
Coding change: c.1102C>T on transcript NM_001033044.4 (MANE Select); coding-DNA position 1102, C replaced by T.
Protein change: p.Pro368Ser; replaces proline 368 with serine.
Molecular consequence: missense variant.
Genome position (GRCh38, 1-based): chr1:182,384,425, G>A on the plus strand (C>T on the coding strand, the complement: GLUL is on the minus strand). VCF-style: chr1-182384425-G-A. GRCh37 (hg19) VCF-style: chr1-182353560-G-A.
Other names: c.1102C>T, p.Pro368Ser (NM_001033056.4, NM_002065.7); short protein forms P368S.
Identifiers: ClinVar variation 1899360 (VCV001899360.7), dbSNP rs749965172, ClinGen allele CA1276959.